The following is an entry in ClinVar:

NM_001171.6(ABCC6):c.4197C>T (p.Gly1399=)

Gene: ABCC6 (ATP binding cassette subfamily C member 6; minus strand). Cytogenetic location: 16p13.11.
Variant type: single nucleotide variant.
Coding change: c.4197C>T on transcript NM_001171.6 (MANE Select); coding-DNA position 4197, C replaced by T.
Protein change: p.Gly1399=; no amino-acid change (glycine 1399 retained).
Molecular consequence: synonymous variant. On other transcripts: non-coding transcript variant (1).
Genome position (GRCh38, 1-based): chr16:16,154,639, G>A on the plus strand (C>T on the coding strand, the complement: ABCC6 is on the minus strand). VCF-style: chr16-16154639-G-A. GRCh37 (hg19) VCF-style: chr16-16248496-G-A.
Other names: c.3855C>T, p.Gly1285= (NM_001351800.1).
Identifiers: ClinVar variation 2140061 (VCV002140061.3), dbSNP rs199770983, ClinGen allele CA7925288.
Genomic context (GRCh38, chr16:16,154,639, plus strand): 5'-TCCCCTCCTCTCCCACCTGCAGGTCCCAGCCATGGTGGGACGACCATACCTCAGGTCCTC[G>A]CCTCGGTCAGCACACTTGTACTGCAGCTGGCCGGGCAGGCTGGCCACCAAGGCTTTGAGC-3'
Protein context (NP_001162.5, residues 1389-1409): GQLQYKCADR[Gly1399=]EDLSVGQKQL

ClinVar aggregate classification (germline): Uncertain significance. Review status: criteria provided, multiple submitters, no conflicts (2 of 4 stars). 3 submissions from 3 submitters: Uncertain significance (3). Last evaluated 2024-05-28.

Conditions:
Autosomal recessive inherited pseudoxanthoma elasticum (PXE). Identifiers: Orphanet 758, MedGen CN032334, MONDO:0009925, OMIM 264800.
Pseudoxanthoma elasticum, forme fruste. Also called: PSEUDOXANTHOMA ELASTICUM, HETEROZYGOUS; Pseudoxanthoma Elasticum, Incomplete. Identifiers: Orphanet 758, MedGen C1867450, MONDO:0008333, OMIM 177850.
Arterial calcification, generalized, of infancy, 2. Identifiers: Orphanet 51608, MedGen C3276161, MONDO:0013768, OMIM 614473.

Allele frequency attached by ClinVar (database versions not stated): gnomAD 0.00001; gnomAD exomes 0.00001; TOPMed 0.00002; ExAC 0.00003; 1000 Genomes Project 30x 0.00016; 1000 Genomes Project 0.00020.

Submissions (3):

Fulgent Genetics
Classification: Uncertain significance for Pseudoxanthoma elasticum, forme fruste; Autosomal recessive inherited pseudoxanthoma elasticum; Arterial calcification, generalized, of infancy, 2. Last evaluated: 2024-05-28. Review status: criteria provided, single submitter. Criteria: ACMG Guidelines, 2015. Collection method: clinical testing. Allele origin: germline.

Labcorp Genetics (formerly Invitae), Labcorp
Classification: Uncertain significance. Last evaluated: 2022-07-29. Review status: criteria provided, single submitter. Criteria: Invitae Variant Classification Sherloc (09022015). Collection method: clinical testing. Allele origin: germline.
Comment: This sequence change affects codon 1399 of the ABCC6 mRNA. It is a 'silent' change, meaning that it does not change the encoded amino acid sequence of the ABCC6 protein. This variant is present in population databases (rs199770983, gnomAD 0.02%). This variant has not been reported in the literature in individuals affected with ABCC6-related conditions. Algorithms developed to predict the effect of sequence changes on RNA splicing suggest that this variant may create or strengthen a splice site. In summary, the available evidence is currently insufficient to determine the role of this variant in disease. Therefore, it has been classified as a Variant of Uncertain Significance.

Blueprint Genetics
Classification: Uncertain significance. Last evaluated: 2022-04-13. Review status: criteria provided, single submitter. Criteria: ACMG Guidelines, 2015. Collection method: clinical testing. Allele origin: germline.